The following is an entry in ClinVar:

ClinVar aggregate classification (germline): Uncertain significance. Review status: criteria provided, multiple submitters, no conflicts (2 of 4 stars). 3 submissions from 3 submitters: Uncertain significance (2). 1 of the submissions does not count toward it. Last evaluated 2025-08-19.

Conditions:
Inborn genetic diseases. Identifiers: MedGen C0950123, MeSH D030342.
Nemaline myopathy 2 (NEM2). Also called: Nemaline myopathy 2, autosomal recessive. Identifiers: MedGen C1850569, MONDO:0009725, OMIM 256030.

Allele frequency attached by ClinVar (database versions not stated): TOPMed 0.00001.
gnomAD v4.1: 15 of 1,613,934 alleles (0.00093%); highest among the groups gnomAD compares: Non-Finnish European, 0.0013%; no homozygotes.

Submissions (3):

Labcorp Genetics (formerly Invitae), Labcorp
Classification: Uncertain significance for Nemaline myopathy 2. Last evaluated: 2025-08-19. Review status: criteria provided, single submitter. Criteria: Invitae Variant Classification Sherloc (09022015). Collection method: clinical testing. Allele origin: germline.
Comment: This sequence change replaces histidine, which is basic and polar, with tyrosine, which is neutral and polar, at codon 445 of the NEB protein (p.His445Tyr). This variant is present in population databases (no rsID available, gnomAD 0.0009%). This variant has not been reported in the literature in individuals affected with NEB-related conditions. ClinVar contains an entry for this variant (Variation ID: 855517). Experimental studies and prediction algorithms are not available or were not evaluated, and the functional significance of this variant is currently unknown. In summary, the available evidence is currently insufficient to determine the role of this variant in disease. Therefore, it has been classified as a Variant of Uncertain Significance.

Ambry Genetics
Classification: Uncertain significance for Inborn genetic diseases. Last evaluated: 2022-01-26. Review status: criteria provided, single submitter. Criteria: Ambry Variant Classification Scheme 2023. Collection method: clinical testing. Allele origin: germline.

Natera, Inc.
Classification: Uncertain significance for Nemaline myopathy type 2. Last evaluated: 2021-03-02. Review status: no assertion criteria provided. Collection method: clinical testing. Allele origin: germline. Not counted in ClinVar's aggregate classification.

NM_001164508.2(NEB):c.1333C>T (p.His445Tyr)

Gene: NEB (nebulin; minus strand). Cytogenetic location: 2q23.3.
Variant type: single nucleotide variant.
Coding change: c.1333C>T on transcript NM_001164508.2 (MANE Select); coding-DNA position 1333, C replaced by T.
Protein change: p.His445Tyr; replaces histidine 445 with tyrosine.
Molecular consequence: missense variant.
Genome position (GRCh38, 1-based): chr2:151,697,382, G>A on the plus strand (C>T on the coding strand, the complement: NEB is on the minus strand). VCF-style: chr2-151697382-G-A. GRCh37 (hg19) VCF-style: chr2-152553896-G-A.
Other names: c.1333C>T, p.His445Tyr (NM_001164507.2, NM_001271208.2, NM_004543.5); c.1333C>T (NM_004543.4); short protein forms H445Y.
Identifiers: ClinVar variation 855517 (VCV000855517.10), dbSNP rs771832822, ClinGen allele CA57677396.